The following is an entry in ClinVar:

ClinVar aggregate classification (germline): Uncertain significance (1 of 4 stars; one submission).

Conditions:
Hereditary cancer-predisposing syndrome. Also called: Tumor predisposition; Hereditary neoplastic syndrome; Hereditary Cancer Syndrome; Neoplastic Syndromes, Hereditary. Identifiers: Orphanet 140162, MedGen C0027672, MeSH D009386, MONDO:0015356.

Submission:

Ambry Genetics
Classification: Uncertain significance for Hereditary cancer-predisposing syndrome. Last evaluated: 2025-03-28. Review status: criteria provided, single submitter. Criteria: Ambry Variant Classification Scheme 2023. Collection method: clinical testing. Allele origin: germline.
Comment: The p.K973E variant (also known as c.2917A>G), located in coding exon 18 of the RAD50 gene, results from an A to G substitution at nucleotide position 2917. The lysine at codon 973 is replaced by glutamic acid, an amino acid with similar properties. This amino acid position is conserved. In addition, the in silico prediction for this alteration is inconclusive. Based on the available evidence, the clinical significance of this variant remains unclear.

NM_005732.4(RAD50):c.2917A>G (p.Lys973Glu)

Gene: RAD50 (RAD50 double strand break repair protein; plus strand). Cytogenetic location: 5q31.1.
Variant type: single nucleotide variant.
Coding change: c.2917A>G on transcript NM_005732.4 (MANE Select); coding-DNA position 2917, A replaced by G.
Protein change: p.Lys973Glu; replaces lysine 973 with glutamic acid.
Molecular consequence: missense variant.
Genome position (GRCh38, 1-based): chr5:132,609,204, A>G. VCF-style: chr5-132609204-A-G. GRCh37 (hg19) VCF-style: chr5-131944896-A-G.
Other names: short protein forms K973E.
Identifiers: ClinVar variation 3942159 (VCV003942159.1).
Genomic context (GRCh38, chr5:132,609,204, plus strand): 5'-AATATTCATGGCTATATGAAAGACATTGAGAATTATATTCAAGATGGGAAAGACGACTAT[A>G]AGAAGGTAATTTAAAACTTAAAATTATTTATTTGATTGTATTTTTATTCATGTGCTTAAA-3'
Protein context (NP_005723.2, residues 963-983): NYIQDGKDDY[Lys973Glu]KQKETELNKV